The following is an entry in ClinVar:

ClinVar aggregate classification (germline): Conflicting classifications of pathogenicity. Review status: criteria provided, conflicting classifications (1 of 4 stars). 6 submissions from 6 submitters: Uncertain significance (3); Likely benign (2). 1 of the submissions does not count toward it. Last evaluated 2026-01-28.

Conditions:
Inborn genetic diseases. Identifiers: MedGen C0950123, MeSH D030342.
Nemaline myopathy 2 (NEM2). Also called: Nemaline myopathy 2, autosomal recessive. Identifiers: MedGen C1850569, MONDO:0009725, OMIM 256030.
NEB-related disorder. Also called: NEB-related condition; NEB-Related Disorders.

Allele frequency attached by ClinVar (database versions not stated): gnomAD exomes 0.00008 and 0.00017; ExAC 0.00028; 1000 Genomes Project 0.00060; 1000 Genomes Project 30x 0.00062; gnomAD 0.00074 and 0.00078; TOPMed 0.00080; ESP Exome Variant Server 0.00089.
gnomAD v4.1: 239 of 1,610,612 alleles (0.015%); highest among the groups gnomAD compares: African/African-American, 0.28%; no homozygotes.

Submissions (6):

Labcorp Genetics (formerly Invitae), Labcorp
Classification: Likely benign for Nemaline myopathy 2. Last evaluated: 2026-01-28. Review status: criteria provided, single submitter. Criteria: Invitae Variant Classification Sherloc (09022015). Collection method: clinical testing. Allele origin: germline.

GeneDx
Classification: Uncertain significance. Last evaluated: 2025-09-25. Review status: criteria provided, single submitter. Criteria: GeneDx Variant Classification Process June 2021. Collection method: clinical testing. Allele origin: germline. Affected: yes.
Comment: In silico analysis suggests that this missense variant does not alter protein structure/function; Has not been previously published as pathogenic or benign to our knowledge

Ambry Genetics
Classification: Uncertain significance for Inborn genetic diseases. Last evaluated: 2024-09-26. Review status: criteria provided, single submitter. Criteria: Ambry Variant Classification Scheme 2023. Collection method: clinical testing. Allele origin: germline.

Revvity Omics, Revvity
Classification: Likely benign. Last evaluated: 2023-04-18. Review status: criteria provided, single submitter. Criteria: ACMG Guidelines, 2015. Collection method: clinical testing. Allele origin: germline.

Mayo Clinic Laboratories, Mayo Clinic
Classification: Uncertain significance. Last evaluated: 2021-10-08. Review status: criteria provided, single submitter. Criteria: ACMG Guidelines, 2015. Collection method: clinical testing. Allele origin: germline.

PreventionGenetics, part of Exact Sciences
Classification: Likely benign for NEB-related condition. Last evaluated: 2023-01-20. Review status: no assertion criteria provided. Collection method: clinical testing. Allele origin: germline. Not counted in ClinVar's aggregate classification.
Comment: This variant is classified as likely benign based on ACMG/AMP sequence variant interpretation guidelines (Richards et al. 2015 PMID: 25741868, with internal and published modifications).

NM_001164508.2(NEB):c.19219G>A (p.Glu6407Lys)

Gene: NEB (nebulin; minus strand). Cytogenetic location: 2q23.3.
Variant type: single nucleotide variant.
Coding change: c.19219G>A on transcript NM_001164508.2 (MANE Select); coding-DNA position 19219, G replaced by A.
Protein change: p.Glu6407Lys; replaces glutamic acid 6407 with lysine.
Molecular consequence: missense variant.
Genome position (GRCh38, 1-based): chr2:151,560,687, C>T on the plus strand (G>A on the coding strand, the complement: NEB is on the minus strand). VCF-style: chr2-151560687-C-T. GRCh37 (hg19) VCF-style: chr2-152417201-C-T.
Other names: p.Glu4706Lys; c.19219G>A, p.Glu6407Lys (NM_001164507.2, NM_001271208.2); c.14116G>A, p.Glu4706Lys (NM_004543.5); short protein forms E6407K, E4706K.
Identifiers: ClinVar variation 449852 (VCV000449852.25), dbSNP rs144539316, ClinGen allele CA1907716.